The following is an entry in ClinVar:

NM_002816.5(PSMD12):c.513G>A (p.Val171=)

Gene: PSMD12 (proteasome 26S subunit, non-ATPase 12; minus strand). Cytogenetic location: 17q24.2.
Variant type: single nucleotide variant.
Coding change: c.513G>A on transcript NM_002816.5 (MANE Select); coding-DNA position 513, G replaced by A.
Protein change: p.Val171=; no amino-acid change (valine 171 retained).
Molecular consequence: synonymous variant.
Genome position (GRCh38, 1-based): chr17:67,347,483, C>T on the plus strand (G>A on the coding strand, the complement: PSMD12 is on the minus strand). VCF-style: chr17-67347483-C-T. GRCh37 (hg19) VCF-style: chr17-65343599-C-T.
Other names: c.336G>A, p.Val112= (NM_001316341.2); c.453G>A, p.Val151= (NM_174871.4).
Identifiers: ClinVar variation 4862617 (VCV004862617.1).
Genomic context (GRCh38, chr17:67,347,483, plus strand): 5'-CCTCATTTGCTCCAAAATAAATTCCACTCGCTCTTTCTTTTCCATTGACCCGTAGGTTTC[C>T]ACCTAGCACAGTAATTCCCCAAATAAGTTTATAATACTTTGCAATTTTGTGAATTGCAAT-3'
Protein context (NP_002807.1, residues 161-181): EAASILQELQ[Val171=]ETYGSMEKKE

ClinVar aggregate classification (germline): Uncertain significance (1 of 4 stars; one submission).

Conditions:
Inborn genetic diseases. Identifiers: MedGen C0950123, MeSH D030342.

Submission:

Ambry Genetics
Classification: Uncertain significance for Inborn genetic diseases. Last evaluated: 2026-03-20. Review status: criteria provided, single submitter. Criteria: Ambry Variant Classification Scheme 2023. Collection method: clinical testing. Allele origin: germline.
Comment: The c.513G>A (p.V171V) alteration is located in exon 6 (coding exon 6) of the PSMD12 gene. This alteration consists of a G to A substitution at nucleotide position 513. This nucleotide substitution does not change the amino acid at codon 171. This variant was not reported in population-based cohorts in the Genome Aggregation Database (gnomAD). This nucleotide position is well conserved in available vertebrate species. In silico splice site analysis predicts that this alteration will result in the creation or strengthening of a novel splice acceptor site. Based on insufficient or conflicting evidence, the clinical significance of this alteration remains unclear.